The following is an entry in ClinVar:

NM_145725.3(TRAF3):c.1013G>A (p.Arg338Gln)

Gene: TRAF3 (TNF receptor associated factor 3; plus strand). Cytogenetic location: 14q32.32.
Variant type: single nucleotide variant.
Coding change: c.1013G>A on transcript NM_145725.3 (MANE Select); coding-DNA position 1013, G replaced by A.
Protein change: p.Arg338Gln; replaces arginine 338 with glutamine.
Molecular consequence: missense variant.
Genome position (GRCh38, 1-based): chr14:102,903,307, G>A. VCF-style: chr14-102903307-G-A. GRCh37 (hg19) VCF-style: chr14-103369644-G-A.
Other names: c.764G>A, p.Arg255Gln (NM_001199427.2); c.872G>A, p.Arg291Gln (NM_001385142.1); c.932G>A, p.Arg311Gln (NM_001385143.1); c.1013G>A, p.Arg338Gln (NM_003300.4); c.938G>A, p.Arg313Gln (NM_145726.3); c.1013G>A (NM_003300.3); short protein forms R311Q, R313Q, R338Q, R255Q, R291Q.
Identifiers: ClinVar variation 1984241 (VCV001984241.5), dbSNP rs771839511, ClinGen allele CA7359484.

ClinVar aggregate classification (germline): Uncertain significance. Review status: criteria provided, multiple submitters, no conflicts (2 of 4 stars). 2 submissions from 2 submitters: Uncertain significance (2). Last evaluated 2024-08-07.

Conditions:
Immunodeficiency 132A. Also called: Herpes simplex encephalitis, susceptibility to, 3. Identifiers: Orphanet 1930, MedGen C3553868, MONDO:0013920, OMIM 614849.

Allele frequency attached by ClinVar (database versions not stated): gnomAD exomes 0.00001; TOPMed below 0.00001; gnomAD 0.00001; ExAC 0.00002.
gnomAD v4.1: 10 of 1,614,098 alleles (0.00062%); highest among the groups gnomAD compares: Non-Finnish European, 0.00076%; no homozygotes.

Submissions (2):

Ambry Genetics
Classification: Uncertain significance. Last evaluated: 2024-08-07. Review status: criteria provided, single submitter. Criteria: Ambry Variant Classification Scheme 2023. Collection method: clinical testing. Allele origin: germline.

Labcorp Genetics (formerly Invitae), Labcorp
Classification: Uncertain significance for Immunodeficiency 132A. Last evaluated: 2022-07-01. Review status: criteria provided, single submitter. Criteria: Invitae Variant Classification Sherloc (09022015). Collection method: clinical testing. Allele origin: germline.
Comment: In summary, the available evidence is currently insufficient to determine the role of this variant in disease. Therefore, it has been classified as a Variant of Uncertain Significance. Algorithms developed to predict the effect of missense changes on protein structure and function are either unavailable or do not agree on the potential impact of this missense change (SIFT: "Deleterious"; PolyPhen-2: "Benign"; Align-GVGD: "Class C0"). This variant has not been reported in the literature in individuals affected with TRAF3-related conditions. This variant is present in population databases (rs771839511, gnomAD 0.002%). This sequence change replaces arginine, which is basic and polar, with glutamine, which is neutral and polar, at codon 338 of the TRAF3 protein (p.Arg338Gln).